The following is an entry in ClinVar:

ClinVar aggregate classification (germline): Pathogenic (1 of 4 stars; one submission).

Conditions:
Capillary malformation-arteriovenous malformation 1 (CMAVM1). Identifiers: Orphanet 137667, Orphanet 693907, MedGen C4747394, MONDO:0020783, OMIM 608354.

Submission:

Baylor Genetics
Classification: Pathogenic for Capillary malformation-arteriovenous malformation 1. Last evaluated: 2018-12-14. Review status: criteria provided, single submitter. Criteria: ACMG Guidelines, 2015. Collection method: clinical testing. Allele origin: unknown. Affected: yes.
Comment: This variant was determined to be pathogenic according to ACMG Guidelines, 2015 [PMID:25741868].

NM_002890.3(RASA1):c.2532_2533delinsATTTGA (p.Asn844fs)

Genes: CCNH (cyclin H; minus strand), RASA1 (RAS p21 protein activator 1; plus strand). Cytogenetic location: 5q14.3.
Variant type: Indel.
Coding change: c.2532_2533delinsATTTGA on transcript NM_002890.3 (MANE Select); coding-DNA positions 2532 to 2533, TT replaced by ATTTGA.
Protein change: p.Asn844fs; shifts the reading frame from asparagine 844.
Molecular consequence: frameshift variant. On other transcripts: intron variant (1).
Genome position (GRCh38, 1-based): chr5:87,379,779-87,379,780, TT replaced by ATTTGA. VCF-style: chr5-87379779-TT-ATTTGA. GRCh37 (hg19) VCF-style: chr5-86675596-TT-ATTTGA.
Other names: c.2001_2002delinsATTTGA, p.Asn667fs (NM_022650.3); c.933+15264_933+15265delinsTCAAAT (NM_001364075.2); short protein forms N667fs, N844fs.
Identifiers: ClinVar variation 1033551 (VCV001033551.3), dbSNP rs1761580770, ClinGen allele CA1561597851.